The following is an entry in ClinVar:

ClinVar aggregate classification (germline): Pathogenic. Review status: criteria provided, multiple submitters, no conflicts (2 of 4 stars). 2 submissions from 2 submitters: Pathogenic (2). Last evaluated 2026-03-06.

Submissions (2):

GeneDx
Classification: Pathogenic. Last evaluated: 2026-03-06. Review status: criteria provided, single submitter. Criteria: GeneDx Variant Classification Process June 2021. Collection method: clinical testing. Allele origin: germline.
Comment: Not observed at significant frequency in large population cohorts (gnomAD); Frameshift variant predicted to result in protein truncation or nonsense mediated decay in a gene for which loss of function is a known mechanism of disease; This variant is associated with the following publications: (PMID: 38556258)

Labcorp Genetics (formerly Invitae), Labcorp
Classification: Pathogenic. Last evaluated: 2021-12-23. Review status: criteria provided, single submitter. Criteria: Invitae Variant Classification Sherloc (09022015). Collection method: clinical testing. Allele origin: germline.
Comment: This sequence change creates a premature translational stop signal (p.Ala983Hisfs*4) in the ANK1 gene. It is expected to result in an absent or disrupted protein product. Loss-of-function variants in ANK1 are known to be pathogenic (PMID: 8640229). This variant is not present in population databases (gnomAD no frequency). This variant has not been reported in the literature in individuals affected with ANK1-related conditions. For these reasons, this variant has been classified as Pathogenic.

Literature cited by the submitters: PubMed 8640229 (cited by Labcorp Genetics (formerly Invitae), Labcorp).

NM_000037.4(ANK1):c.2947del (p.Ala983fs)

Gene: ANK1 (ankyrin 1; minus strand). Cytogenetic location: 8p11.21.
Variant type: Deletion.
Coding change: c.2947del on transcript NM_000037.4 (MANE Select); coding-DNA position 2947, one base deleted (G; older notation c.2947delG).
Protein change: p.Ala983fs; shifts the reading frame from alanine 983.
Molecular consequence: frameshift variant.
Genome position (GRCh38, 1-based): chr8:41,696,376, C deleted on the plus strand (G on the coding strand, the reverse complement: ANK1 is on the minus strand); the first of 5 consecutive C bases (chr8:41,696,376-41,696,380); deleting any one gives the same sequence. VCF-style (leftmost placement, unchanged base first): chr8-41696375-GC-G. GRCh37 (hg19) VCF-style: chr8-41553893-GC-G.
Other names: c.2947del (NM_000037.3); c.3070del, p.Ala1024fs (NM_001142446.2); c.2947del, p.Ala983fs (NM_020475.3, NM_020476.3, NM_020477.3); short protein forms A983fs, A1024fs.
Identifiers: ClinVar variation 1451985 (VCV001451985.7), dbSNP rs2150596718, ClinGen allele CA2573143160.